The following is an entry in ClinVar:

NM_019109.5(ALG1):c.1282C>A (p.Pro428Thr)

Genes: ALG1 (ALG1 chitobiosyldiphosphodolichol beta-mannosyltransferase; plus strand), EEF2KMT (eukaryotic elongation factor 2 lysine methyltransferase; minus strand). Cytogenetic location: 16p13.3.
Variant type: single nucleotide variant.
Coding change: c.1282C>A on transcript NM_019109.5 (MANE Select); coding-DNA position 1282, C replaced by A.
Protein change: p.Pro428Thr; replaces proline 428 with threonine.
Molecular consequence: missense variant. On other transcripts: 3 prime UTR variant (3).
Genome position (GRCh38, 1-based): chr16:5,084,768, C>A. VCF-style: chr16-5084768-C-A. GRCh37 (hg19) VCF-style: chr16-5134769-C-A.
Other names: c.*864G>T (NM_001289029.2, NM_201400.4, NM_201598.4); c.949C>A, p.Pro317Thr (NM_001330504.2); short protein forms P317T, P428T.
Identifiers: ClinVar variation 1361662 (VCV001361662.3), dbSNP rs1413293071, ClinGen allele CA394674834.
Genomic context (GRCh38, chr16:5,084,768, plus strand): 5'-GGACAGGCAATGAGGTAAGCTCTGCTCTTTATTTTTTTGCAGATGCTTTTCTCAAACTTT[C>A]CTGATCCTGCGGGCAAGCTAAACCAGTTCCGGAAGAACCTGCGGGAGTCGCAGCAGCTCC-3'
Protein context (NP_061982.3, residues 418-438): AQLQMLFSNF[Pro428Thr]DPAGKLNQFR

ClinVar aggregate classification (germline): Uncertain significance (1 of 4 stars; one submission).

Conditions:
ALG1-congenital disorder of glycosylation. Also called: CONGENITAL DISORDER OF GLYCOSYLATION, TYPE Ik; ALG1-CDG; CDG Ik. Identifiers: Orphanet 79327, MedGen C2931005, MONDO:0012052, OMIM 608540.

Allele frequency attached by ClinVar (database versions not stated): gnomAD exomes below 0.00001 and 0.00001.
gnomAD v4.1: 2 of 1,596,470 alleles (0.00013%); highest among the groups gnomAD compares: South Asian, 0.0011%; no homozygotes.

Submission:

Labcorp Genetics (formerly Invitae), Labcorp
Classification: Uncertain significance for ALG1-congenital disorder of glycosylation. Last evaluated: 2024-05-15. Review status: criteria provided, single submitter. Criteria: Invitae Variant Classification Sherloc (09022015). Collection method: clinical testing. Allele origin: germline.
Comment: This sequence change replaces proline, which is neutral and non-polar, with threonine, which is neutral and polar, at codon 428 of the ALG1 protein (p.Pro428Thr). The frequency data for this variant in the population databases is considered unreliable, as metrics indicate poor data quality at this position in the gnomAD database. This variant has not been reported in the literature in individuals affected with ALG1-related conditions. ClinVar contains an entry for this variant (Variation ID: 1361662). Advanced modeling of protein sequence and biophysical properties (such as structural, functional, and spatial information, amino acid conservation, physicochemical variation, residue mobility, and thermodynamic stability) performed at Invitae indicates that this missense variant is not expected to disrupt ALG1 protein function with a negative predictive value of 80%. In summary, the available evidence is currently insufficient to determine the role of this variant in disease. Therefore, it has been classified as a Variant of Uncertain Significance.